The following is an entry in ClinVar:

NM_000132.4(F8):c.6544C>T (p.Arg2182Cys)

Gene: F8 (coagulation factor VIII; minus strand). Cytogenetic location: Xq28.
Variant type: single nucleotide variant.
Coding change: c.6544C>T on transcript NM_000132.4 (MANE Select); coding-DNA position 6544, C replaced by T.
Protein change: p.Arg2182Cys; replaces arginine 2182 with cysteine.
Molecular consequence: missense variant.
Genome position (GRCh38, 1-based): chrX:154,863,113, G>A on the plus strand (C>T on the coding strand, the complement: F8 is on the minus strand). VCF-style: chrX-154863113-G-A. GRCh37 (hg19) VCF-style: chrX-154091388-G-A.
Other names: F8, ARG2163CYS; R2163C; c.139C>T, p.Arg47Cys (NM_019863.3); short protein forms R2182C, R47C.
Identifiers: ClinVar variation 10321 (VCV000010321.11), dbSNP rs137852467, ClinGen allele CA255214.

ClinVar aggregate classification (germline): Pathogenic/Likely pathogenic. Review status: criteria provided, multiple submitters, no conflicts (2 of 4 stars). 5 submissions from 5 submitters: Pathogenic (3); Likely pathogenic (1). 1 of the submissions does not count toward it. Last evaluated 2025-10-14.

Conditions:
Thrombophilia, X-linked, due to factor 8 defect. Also called: Thrombophilia 13, X-linked, due to factor VIII defect; THROMBOPHILIA, X-LINKED, DUE TO FACTOR VIII DEFECT. Identifiers: MedGen C5676879, MONDO:0859082, OMIM 301071.
Hereditary factor VIII deficiency disease (HEMA). Also called: AUTOSOMAL HEMOPHILIA A; Hemophilia A, congenital; HEM A; Factor 8 deficiency, congenital; Hemophilia A; HEMOPHILIA, CLASSIC. Identifiers: Orphanet 98878, MedGen C0019069, MONDO:0010602, OMIM 306700.

Allele frequency attached by ClinVar (database versions not stated): TOPMed 0.00013; gnomAD exomes 0.00001; gnomAD 0.00002.
gnomAD v4.1: 2 of 1,209,335 alleles (0.00017%); highest among the groups gnomAD compares: African/African-American, 0.0018%; no homozygotes.

Submissions (5):

Women's Health and Genetics/Laboratory Corporation of America, LabCorp
Classification: Pathogenic for Hereditary factor VIII deficiency disease. Last evaluated: 2025-10-14. Review status: criteria provided, single submitter. Criteria: LabCorp Variant Classification Summary - May 2015. Collection method: clinical testing. Allele origin: germline.
Comment: Variant summary: F8 c.6544C>T (p.Arg2182Cys) results in a non-conservative amino acid change in the encoded protein sequence. Algorithms developed to predict the effect of missense changes on protein structure and function all suggest that this variant is likely to be disruptive. The variant allele was found at a frequency of 5.5e-06 in 183342 control chromosomes. c.6544C>T has been observed in multiple individuals affected with Factor VIII Deficiency (Hemophilia A) (e.g. Miller_2012, Green_2008). These data indicate that the variant is very likely to be associated with disease. A different variant affecting the same codon has been classified as likely pathogenic/pathogenic by our lab (c.6545G>A, p.Arg2182His), supporting the critical relevance of codon 2182 to F8 protein function. The following publications have been ascertained in the context of this evaluation (PMID: 18691168, 22103590). ClinVar contains an entry for this variant (Variation ID: 10321). Based on the evidence outlined above, the variant was classified as pathogenic.

Mendelics
Classification: Pathogenic for Thrombophilia, X-linked, due to factor 8 defect. Last evaluated: 2022-05-04. Review status: criteria provided, single submitter. Criteria: Mendelics Assertion Criteria 2019. Collection method: clinical testing. Allele origin: germline.

ARUP Laboratories, Molecular Genetics and Genomics, ARUP Laboratories
Classification: Pathogenic for Hereditary factor VIII deficiency disease. Last evaluated: 2020-11-15. Review status: criteria provided, single submitter. Criteria: ARUP Molecular Germline Variant Investigation Process 2021. Collection method: clinical testing. Allele origin: germline.
Comment: The F8 c.6544C>T; p.Arg2182Cys variant (rs137852467), also known as p.Arg2163Cys, is reported in the literature in numerous individuals affected with moderate to severe Hemophilia A (see link to Factor VIII database, Citron 2002, Jayandharan 2009, Liu 2000, Lu 2018, Factor VIII variant database). This variant is reported in ClinVar (Variation ID: 10321) and is found in the general population with an overall allele frequency of 0.0006% (1/178610 alleles) in the Genome Aggregation Database. The arginine at codon 2182 is highly conserved and computational analyses (SIFT, PolyPhen-2) predict that this variant is deleterious. Additionally, other variants at this codon (c.6545G>A; p.Arg2182His, c. 6544C>G; p.Arg2182Gly) have been reported in individuals with Hemophilia A and are considered pathogenic (see link to Factor VIII database, Jayandharan 2009, Liu 2000, Factor VIII variant database). Based on available information, this variant is considered to be pathogenic. References: Factor VIII variant database: Citron M et al. High throughput mutation screening of the factor VIII gene (F8C) in hemophilia A: 37 novel mutations and genotype-phenotype correlation. Hum Mutat. 2002 Oct;20(4):267-74. Factor VIII variant database: Jayandharan GR et al. Polymorphism in factor VII gene modifies phenotype of severe haemophilia. Haemophilia. 2009 Nov;15(6):1228-36. Liu ML et al. Hemophilic factor VIII C1- and C2-domain missense mutations and their modeling to the 1.5-angstrom human C2-domain crystal structure. Blood. 2000 Aug 1;96(3):979-87. Lu Y et al. Spectrum and origin of mutations in sporadic cases of haemophilia A in China. Haemophilia. 2018 Mar;24(2):291-298.

Kariminejad - Najmabadi Pathology & Genetics Center
Classification: Likely pathogenic for Hereditary factor VIII deficiency disease. Review status: criteria provided, single submitter. Criteria: ACMG Guidelines, 2015. Collection method: clinical testing. Allele origin: germline. Affected: no.

OMIM
Classification: Pathogenic for HEMOPHILIA A. Last evaluated: 1992-04-01. Review status: no assertion criteria provided. Collection method: literature only. Allele origin: germline. Not counted in ClinVar's aggregate classification.

Literature cited by the submitters: PubMed 18691168 (cited by Women's Health and Genetics/Laboratory Corporation of America, LabCorp); PubMed 22103590 (cited by Women's Health and Genetics/Laboratory Corporation of America, LabCorp); PubMed 1412186 (cited by OMIM).